The following is an entry in ClinVar:

ClinVar aggregate classification (germline): Uncertain significance (1 of 4 stars; one submission).

Conditions:
T-cell immunodeficiency, congenital alopecia, and nail dystrophy. Also called: Congenital alopecia and nail dystrophy associated with severe functional T-cell immunodeficiency; Pignata Guarino syndrome. Identifiers: Orphanet 169095, MedGen C1866426, MONDO:0011132, OMIM 601705.

gnomAD v4.1: 2 of 1,614,082 alleles (0.00012%); highest among the groups gnomAD compares: South Asian, 0.0022%; no homozygotes.

Submission:

Labcorp Genetics (formerly Invitae), Labcorp
Classification: Uncertain significance for T-cell immunodeficiency, congenital alopecia, and nail dystrophy. Last evaluated: 2024-02-13. Review status: criteria provided, single submitter. Criteria: Invitae Variant Classification Sherloc (09022015). Collection method: clinical testing. Allele origin: germline.
Comment: This sequence change replaces aspartic acid, which is acidic and polar, with asparagine, which is neutral and polar, at codon 551 of the FOXN1 protein (p.Asp551Asn). This variant is present in population databases (rs757413677, gnomAD 0.003%). This variant has not been reported in the literature in individuals affected with FOXN1-related conditions. Advanced modeling of protein sequence and biophysical properties (such as structural, functional, and spatial information, amino acid conservation, physicochemical variation, residue mobility, and thermodynamic stability) performed at Invitae indicates that this missense variant is not expected to disrupt FOXN1 protein function with a negative predictive value of 80%. In summary, the available evidence is currently insufficient to determine the role of this variant in disease. Therefore, it has been classified as a Variant of Uncertain Significance.

NM_001369369.1(FOXN1):c.1651G>A (p.Asp551Asn)

Gene: FOXN1 (forkhead box N1; plus strand). Cytogenetic location: 17q11.2.
Variant type: single nucleotide variant.
Coding change: c.1651G>A on transcript NM_001369369.1 (MANE Select); coding-DNA position 1651, G replaced by A.
Protein change: p.Asp551Asn; replaces aspartic acid 551 with asparagine.
Molecular consequence: missense variant.
Genome position (GRCh38, 1-based): chr17:28,537,140, G>A. VCF-style: chr17-28537140-G-A. GRCh37 (hg19) VCF-style: chr17-26864158-G-A.
Other names: c.1651G>A, p.Asp551Asn (NM_003593.3); short protein forms D551N.
Identifiers: ClinVar variation 2804591 (VCV002804591.3), dbSNP rs757413677, ClinGen allele CA8459592.